The following is an entry in ClinVar:

NM_005751.5(AKAP9):c.6343G>A (p.Ala2115Thr)

Gene: AKAP9 (A-kinase anchoring protein 9; plus strand). Cytogenetic location: 7q21.2.
Variant type: single nucleotide variant.
Coding change: c.6343G>A on transcript NM_005751.5 (MANE Select); coding-DNA position 6343, G replaced by A.
Protein change: p.Ala2115Thr; replaces alanine 2115 with threonine.
Molecular consequence: missense variant.
Genome position (GRCh38, 1-based): chr7:92,070,042, G>A. VCF-style: chr7-92070042-G-A. GRCh37 (hg19) VCF-style: chr7-91699356-G-A.
Other names: c.988G>A, p.Ala330Thr (NM_001379277.1); c.6343G>A, p.Ala2115Thr (NM_147185.3); short protein forms A330T, A2115T.
Identifiers: ClinVar variation 1496662 (VCV001496662.10), dbSNP rs761921630, ClinGen allele CA4337068.

ClinVar aggregate classification (germline): Conflicting classifications of pathogenicity. Review status: criteria provided, conflicting classifications (1 of 4 stars). 2 submissions from 2 submitters: Uncertain significance (1); Likely benign (1). Last evaluated 2021-08-31.

Conditions:
Cardiovascular phenotype. Identifiers: MedGen CN230736.
Long QT syndrome (LQTS). Identifiers: MedGen C0023976, MeSH D008133, MONDO:0002442. Disease mechanism: loss of function. Inheritance: Various modes of inheritance.

Allele frequency attached by ClinVar (database versions not stated): ExAC 0.00001.
gnomAD v4.1: 1 of 1,612,526 alleles (0.000062%); highest among the groups gnomAD compares: Non-Finnish European, 0.000085%; no homozygotes.

Submissions (2):

Ambry Genetics
Classification: Likely benign for Cardiovascular phenotype. Last evaluated: 2021-08-31. Review status: criteria provided, single submitter. Criteria: Ambry Variant Classification Scheme 2023. Collection method: clinical testing. Allele origin: germline.

Labcorp Genetics (formerly Invitae), Labcorp
Classification: Uncertain significance for Long QT syndrome. Last evaluated: 2021-04-14. Review status: criteria provided, single submitter. Criteria: Invitae Variant Classification Sherloc (09022015). Collection method: clinical testing. Allele origin: germline.
Comment: In summary, the available evidence is currently insufficient to determine the role of this variant in disease. Therefore, it has been classified as a Variant of Uncertain Significance. Algorithms developed to predict the effect of missense changes on protein structure and function output the following: SIFT: "Tolerated"; PolyPhen-2: "Benign"; Align-GVGD: "Class C0". The threonine amino acid residue is found in multiple mammalian species, suggesting that this missense change does not adversely affect protein function. These predictions have not been confirmed by published functional studies and their clinical significance is uncertain. This variant has not been reported in the literature in individuals with AKAP9-related conditions. This variant is present in population databases (rs761921630, ExAC 0.002%). This sequence change replaces alanine with threonine at codon 2115 of the AKAP9 protein (p.Ala2115Thr). The alanine residue is weakly conserved and there is a small physicochemical difference between alanine and threonine.